The following is an entry in ClinVar:

ClinVar aggregate classification (germline): Uncertain significance. Review status: criteria provided, multiple submitters, no conflicts (2 of 4 stars). 3 submissions from 3 submitters: Uncertain significance (3). Last evaluated 2023-09-10.

Conditions:
Pitt-Hopkins syndrome (PTHS). Also called: ENCEPHALOPATHY, SEVERE EPILEPTIC, WITH AUTONOMIC DYSFUNCTION; MENTAL RETARDATION, SYNDROMAL, WITH INTERMITTENT HYPERVENTILATION. Identifiers: Orphanet 2896, MedGen C1970431, MONDO:0012589, OMIM 610954.
Inborn genetic diseases. Identifiers: MedGen C0950123, MeSH D030342.

Allele frequency attached by ClinVar (database versions not stated): gnomAD 0.00001; TOPMed 0.00001.
gnomAD v4.1: 8 of 1,613,748 alleles (0.0005%); highest among the groups gnomAD compares: Non-Finnish European, 0.00068%; no homozygotes.

Submissions (3):

Labcorp Genetics (formerly Invitae), Labcorp
Classification: Uncertain significance for Pitt-Hopkins syndrome. Last evaluated: 2023-09-10. Review status: criteria provided, single submitter. Criteria: Invitae Variant Classification Sherloc (09022015). Collection method: clinical testing. Allele origin: germline.
Comment: This sequence change replaces methionine, which is neutral and non-polar, with leucine, which is neutral and non-polar, at codon 217 of the TCF4 protein (p.Met217Leu). This variant is present in population databases (rs768573052, gnomAD 0.002%). This variant has not been reported in the literature in individuals affected with TCF4-related conditions. ClinVar contains an entry for this variant (Variation ID: 590129). Advanced modeling of protein sequence and biophysical properties (such as structural, functional, and spatial information, amino acid conservation, physicochemical variation, residue mobility, and thermodynamic stability) performed at Invitae indicates that this missense variant is not expected to disrupt TCF4 protein function. In summary, the available evidence is currently insufficient to determine the role of this variant in disease. Therefore, it has been classified as a Variant of Uncertain Significance.

GeneDx
Classification: Uncertain significance. Last evaluated: 2019-04-23. Review status: criteria provided, single submitter. Criteria: GeneDx Variant Classification Process June 2021. Collection method: clinical testing. Allele origin: germline. Affected: yes.
Comment: In silico analysis, which includes protein predictors and evolutionary conservation, supports that this variant does not alter protein structure/function; Has not been previously published as pathogenic or benign to our knowledge

Ambry Genetics
Classification: Uncertain significance for Inborn genetic diseases. Last evaluated: 2017-04-20. Review status: criteria provided, single submitter. Criteria: Ambry Variant Classification Scheme 2023. Collection method: clinical testing. Allele origin: germline.
Comment: The p.M217L variant (also known as c.649A>T), located in coding exon 8 of the TCF4 gene, results from an A to T substitution at nucleotide position 649. The methionine at codon 217 is replaced by leucine, an amino acid with highly similar properties. This amino acid position is highly conserved in available vertebrate species. In addition, the in silico prediction for this alteration is inconclusive. Since supporting evidence is limited at this time, the clinical significance of this alteration remains unclear.

NM_001083962.2(TCF4):c.649A>T (p.Met217Leu)

Gene: TCF4 (transcription factor 4; minus strand). Cytogenetic location: 18q21.2.
Variant type: single nucleotide variant.
Coding change: c.649A>T on transcript NM_001083962.2 (MANE Select); coding-DNA position 649, A replaced by T.
Protein change: p.Met217Leu; replaces methionine 217 with leucine.
Molecular consequence: missense variant. On other transcripts: initiator codon variant (1).
Genome position (GRCh38, 1-based): chr18:55,279,557, T>A on the plus strand (A>T on the coding strand, the complement: TCF4 is on the minus strand). VCF-style: chr18-55279557-T-A. GRCh37 (hg19) VCF-style: chr18-52946788-T-A.
Other names: c.259A>T, p.Met87Leu (NM_001348212.2, NM_001348213.2, NM_001243233.2 and 1 more transcripts); c.169A>T, p.Met57Leu (NM_001348214.2, NM_001348216.2, NM_001243234.2 and 2 more transcripts); c.1A>T, p.Met1Leu (NM_001348215.2); c.577A>T, p.Met193Leu (NM_001348217.1, NM_001348218.2, NM_001369575.1 and 9 more transcripts); c.649A>T, p.Met217Leu (NM_001369574.1, NM_001369567.1, NM_001369568.1 and 4 more transcripts); c.574A>T, p.Met192Leu (NM_001369576.1, NM_001369578.1, NM_001369581.1 and 3 more transcripts); c.955A>T, p.Met319Leu (NM_001243226.3); c.667A>T, p.Met223Leu (NM_001243228.2); and 4 more; short protein forms M217L, M146L, M193L, M1L, M216L, M319L, M175L, M87L.
Identifiers: ClinVar variation 590129 (VCV000590129.18), dbSNP rs768573052, ClinGen allele CA8970441.